The following is an entry in ClinVar:

NM_152393.4(KLHL40):c.1193T>G (p.Leu398Arg)

Gene: KLHL40 (kelch like family member 40; plus strand). Cytogenetic location: 3p22.1.
Variant type: single nucleotide variant.
Coding change: c.1193T>G on transcript NM_152393.4 (MANE Select); coding-DNA position 1193, T replaced by G.
Protein change: p.Leu398Arg; replaces leucine 398 with arginine.
Molecular consequence: missense variant.
Genome position (GRCh38, 1-based): chr3:42,688,182, T>G. VCF-style: chr3-42688182-T-G. GRCh37 (hg19) VCF-style: chr3-42729674-T-G.
Other names: short protein forms L398R.
Identifiers: ClinVar variation 2903499 (VCV002903499.3), dbSNP rs1355902597, ClinGen allele CA352293326.
Genomic context (GRCh38, chr3:42,688,182, plus strand): 5'-ACTGGACACCTGGCCTGCAGTTTGACCATCTGGACTCAGAGTGGCTGGGGATGCCACCGC[T>G]GCCCTCGCCCCGCTGCCTCTTTGGCCTGGGAGAAGCTCTCAACTCCATCTACGTGGTCGG-3'
Protein context (NP_689606.2, residues 388-408): LDSEWLGMPP[Leu398Arg]PSPRCLFGLG

ClinVar aggregate classification (germline): Uncertain significance (1 of 4 stars; one submission).

Conditions:
Nemaline myopathy 8 (NEM8). Also called: Nemaline myopathy 8, autosomal recessive. Identifiers: Orphanet 171430, MedGen C3809209, MONDO:0014138, OMIM 615348.

Allele frequency attached by ClinVar (database versions not stated): gnomAD exomes below 0.00001; TOPMed below 0.00001; gnomAD 0.00001.
gnomAD v4.1: 3 of 1,613,668 alleles (0.00019%); highest among the groups gnomAD compares: African/African-American, 0.0013%; no homozygotes.

Submission:

Labcorp Genetics (formerly Invitae), Labcorp
Classification: Uncertain significance for Nemaline myopathy 8. Last evaluated: 2024-01-21. Review status: criteria provided, single submitter. Criteria: Invitae Variant Classification Sherloc (09022015). Collection method: clinical testing. Allele origin: germline.
Comment: This sequence change replaces leucine, which is neutral and non-polar, with arginine, which is basic and polar, at codon 398 of the KLHL40 protein (p.Leu398Arg). This variant is present in population databases (no rsID available, gnomAD 0.0009%). This variant has not been reported in the literature in individuals affected with KLHL40-related conditions. Advanced modeling of protein sequence and biophysical properties (such as structural, functional, and spatial information, amino acid conservation, physicochemical variation, residue mobility, and thermodynamic stability) has been performed at Invitae for this missense variant, however the output from this modeling did not meet the statistical confidence thresholds required to predict the impact of this variant on KLHL40 protein function. In summary, the available evidence is currently insufficient to determine the role of this variant in disease. Therefore, it has been classified as a Variant of Uncertain Significance.